The following is an entry in ClinVar:

NM_001130438.3(SPTAN1):c.1094G>A (p.Arg365His)

Gene: SPTAN1 (spectrin alpha, non-erythrocytic 1; plus strand). Cytogenetic location: 9q34.11.
Variant type: single nucleotide variant.
Coding change: c.1094G>A on transcript NM_001130438.3 (MANE Select); coding-DNA position 1094, G replaced by A.
Protein change: p.Arg365His; replaces arginine 365 with histidine.
Molecular consequence: missense variant.
Genome position (GRCh38, 1-based): chr9:128,578,118, G>A. VCF-style: chr9-128578118-G-A. GRCh37 (hg19) VCF-style: chr9-131340397-G-A.
Other names: c.1094G>A, p.Arg365His (NM_001195532.2, NM_001363759.2, NM_001363765.2 and 5 more transcripts); c.1130G>A, p.Arg377His (NM_001375312.2, NM_001375318.1); short protein forms R377H, R365H.
Identifiers: ClinVar variation 2994953 (VCV002994953.3), dbSNP rs2541066931, ClinGen allele CA375051180.

ClinVar aggregate classification (germline): Uncertain significance (1 of 4 stars; one submission).

Conditions:
Early-infantile DEE. Also called: Early infantile epileptic encephalopathy with suppression bursts; Ohtahara syndrome; Early infantile epileptic encephalopathy. Identifiers: Orphanet 1934, MedGen C0393706, MONDO:0800491.

Allele frequency attached by ClinVar (database versions not stated): gnomAD exomes below 0.00001.
gnomAD v4.1: 1 of 1,614,094 alleles (0.000062%); highest among the groups gnomAD compares: Non-Finnish European, 0.000085%; no homozygotes.

Submission:

Labcorp Genetics (formerly Invitae), Labcorp
Classification: Uncertain significance for Early-infantile DEE. Last evaluated: 2025-03-20. Review status: criteria provided, single submitter. Criteria: Invitae Variant Classification Sherloc (09022015). Collection method: clinical testing. Allele origin: germline.
Comment: This sequence change replaces arginine, which is basic and polar, with histidine, which is basic and polar, at codon 365 of the SPTAN1 protein (p.Arg365His). This variant is not present in population databases (gnomAD no frequency). This variant has not been reported in the literature in individuals affected with SPTAN1-related conditions. ClinVar contains an entry for this variant (Variation ID: 2994953). Invitae Evidence Modeling of protein sequence and biophysical properties (such as structural, functional, and spatial information, amino acid conservation, physicochemical variation, residue mobility, and thermodynamic stability) has been performed for this missense variant. However, the output from this modeling did not meet the statistical confidence thresholds required to predict the impact of this variant on SPTAN1 protein function. In summary, the available evidence is currently insufficient to determine the role of this variant in disease. Therefore, it has been classified as a Variant of Uncertain Significance.